The following is an entry in ClinVar:

ClinVar aggregate classification (germline): Uncertain significance (1 of 4 stars; one submission).

Conditions:
Familial thoracic aortic aneurysm and aortic dissection (TAAD). Also called: Thoracic aortic aneurysms and dissections. Identifiers: Orphanet 91387, MedGen C4707243, MONDO:0019625.

Submission:

Labcorp Genetics (formerly Invitae), Labcorp
Classification: Uncertain significance for Familial thoracic aortic aneurysm and aortic dissection. Last evaluated: 2024-02-22. Review status: criteria provided, single submitter. Criteria: Invitae Variant Classification Sherloc (09022015). Collection method: clinical testing. Allele origin: germline.
Comment: This sequence change replaces alanine, which is neutral and non-polar, with glycine, which is neutral and non-polar, at codon 353 of the SMAD3 protein (p.Ala353Gly). This variant is not present in population databases (gnomAD no frequency). This variant has not been reported in the literature in individuals affected with SMAD3-related conditions. Advanced modeling of protein sequence and biophysical properties (such as structural, functional, and spatial information, amino acid conservation, physicochemical variation, residue mobility, and thermodynamic stability) performed at Invitae indicates that this missense variant is not expected to disrupt SMAD3 protein function with a negative predictive value of 80%. In summary, the available evidence is currently insufficient to determine the role of this variant in disease. Therefore, it has been classified as a Variant of Uncertain Significance.

NM_005902.4(SMAD3):c.1058C>G (p.Ala353Gly)

Gene: SMAD3 (SMAD family member 3; plus strand). Cytogenetic location: 15q22.33.
Variant type: single nucleotide variant.
Coding change: c.1058C>G on transcript NM_005902.4 (MANE Select); coding-DNA position 1058, C replaced by G.
Protein change: p.Ala353Gly; replaces alanine 353 with glycine.
Molecular consequence: missense variant.
Genome position (GRCh38, 1-based): chr15:67,187,413, C>G. VCF-style: chr15-67187413-C-G. GRCh37 (hg19) VCF-style: chr15-67479751-C-G.
Other names: c.743C>G, p.Ala248Gly (NM_001145102.2, NM_001407016.1); c.926C>G, p.Ala309Gly (NM_001145103.2, NM_001407012.1); c.473C>G, p.Ala158Gly (NM_001145104.2, NM_001407017.1); c.1169C>G, p.Ala390Gly (NM_001407011.1); c.920C>G, p.Ala307Gly (NM_001407013.1); c.911C>G, p.Ala304Gly (NM_001407014.1); c.611C>G, p.Ala204Gly (NM_001407015.1); short protein forms A307G, A204G, A248G, A353G, A390G, A158G, A304G, A309G.
Identifiers: ClinVar variation 3642510 (VCV003642510.2).